The following is an entry in ClinVar:

ClinVar aggregate classification (germline): Uncertain significance (1 of 4 stars; one submission).

gnomAD v4.1: 1 of 1,609,018 alleles (0.000062%); highest among the groups gnomAD compares: Non-Finnish European, 0.000085%; no homozygotes.

Submission:

Ambry Genetics
Classification: Uncertain significance. Last evaluated: 2026-02-16. Review status: criteria provided, single submitter. Criteria: Ambry Variant Classification Scheme 2023. Collection method: clinical testing. Allele origin: germline.
Comment: The p.Y121H variant (also known as c.361T>C), located in coding exon 2 of the ATRIP gene, results from a T to C substitution at nucleotide position 361. The tyrosine at codon 121 is replaced by histidine, an amino acid with similar properties. This amino acid position is conserved. In addition, this alteration is predicted to be tolerated by in silico analysis. Based on the available evidence, the clinical significance of this variant remains unclear.

NM_130384.3(ATRIP):c.361T>C (p.Tyr121His)

Genes: ATRIP (ATR interacting protein; plus strand), ATRIP-TREX1 (ATRIP-TREX1 readthrough; plus strand). Cytogenetic location: 3p21.31.
Variant type: single nucleotide variant.
Coding change: c.361T>C on transcript NM_130384.3 (MANE Select); coding-DNA position 361, T replaced by C.
Protein change: p.Tyr121His; replaces tyrosine 121 with histidine.
Molecular consequence: missense variant. On other transcripts: non-coding transcript variant (1), 5 prime UTR variant (1).
Genome position (GRCh38, 1-based): chr3:48,450,150, T>C. VCF-style: chr3-48450150-T-C. GRCh37 (hg19) VCF-style: chr3-48491556-T-C.
Other names: c.-104T>C (NM_001271022.2); c.82T>C, p.Tyr28His (NM_001271023.2); c.361T>C, p.Tyr121His (NM_032166.4); short protein forms Y121H, Y28H.
Identifiers: ClinVar variation 4844947 (VCV004844947.1).